The following is an entry in ClinVar:

NM_000135.4(FANCA):c.3761_3764dup (p.Leu1256fs)

Gene: FANCA (FA complementation group A; minus strand). Cytogenetic location: 16q24.3.
Variant type: Duplication.
Coding change: c.3761_3764dup on transcript NM_000135.4 (MANE Select); coding-DNA positions 3761 to 3764, 4 bases duplicated (AGGA; older notation c.3761_3764dupAGGA).
Protein change: p.Leu1256fs; shifts the reading frame from leucine 1256.
Molecular consequence: frameshift variant.
Genome position (GRCh38, 1-based): chr16:89,742,801-89,742,804, TCCT duplicated on the plus strand (AGGA on the coding strand, the reverse complement: FANCA is on the minus strand). VCF-style (leftmost placement, unchanged base first): chr16-89742800-C-CTCCT. GRCh37 (hg19) VCF-style: chr16-89809208-C-CTCCT.
Other names: c.3761_3764dup, p.Leu1256fs (NM_001286167.3); short protein forms L1256fs.
Identifiers: ClinVar variation 974262 (VCV000974262.1), dbSNP rs2062169220, ClinGen allele CA1139664955.

ClinVar aggregate classification (germline): Pathogenic (0 of 4 stars; one submission).

Conditions:
Fanconi anemia complementation group A (FANCA). Also called: Fanconi anemia, group A; FANCA-Related Fanconi Anemia. Identifiers: Orphanet 84, MedGen C3469521, MONDO:0009215, OMIM 227650.

Submission:

Leiden Open Variation Database
Classification: Pathogenic for Fanconi anemia complementation group A. Last evaluated: 2020-02-28. Review status: no assertion criteria provided. Collection method: curation. Allele origin: germline. Affected: yes.
Comment: Curator: Arleen D. Auerbach. Submitter to LOVD: Arleen D. Auerbach.